The following is an entry in ClinVar:

NM_003718.5(CDK13):c.509C>T (p.Ala170Val)

Gene: CDK13 (cyclin dependent kinase 13; plus strand). Cytogenetic location: 7p14.1.
Variant type: single nucleotide variant.
Coding change: c.509C>T on transcript NM_003718.5 (MANE Select); coding-DNA position 509, C replaced by T.
Protein change: p.Ala170Val; replaces alanine 170 with valine.
Molecular consequence: missense variant.
Genome position (GRCh38, 1-based): chr7:39,951,150, C>T. VCF-style: chr7-39951150-C-T. GRCh37 (hg19) VCF-style: chr7-39990749-C-T.
Other names: c.509C>T, p.Ala170Val (NM_031267.4); short protein forms A170V.
Identifiers: ClinVar variation 931782 (VCV000931782.12), dbSNP rs1029840854, ClinGen allele CA157707174.
Genomic context (GRCh38, chr7:39,951,150, plus strand): 5'-GCTCCCAGTCCGAGCAGGGGCTGCTGCTGGGGGGGGCCAGCGCGGCAACGGCGGCGACGG[C>T]TGCCGGGGGAACGGGGGGCAGCGGCGGGAGTCCGGCCTCCTCCTCCGGCACCCAGCGGCG-3'
Protein context (NP_003709.3, residues 160-180): GGASAATAAT[Ala170Val]AGGTGGSGGS

ClinVar aggregate classification (germline): Conflicting classifications of pathogenicity. Review status: criteria provided, conflicting classifications (1 of 4 stars). 4 submissions from 4 submitters: Uncertain significance (1); Benign (1); Likely benign (2). Last evaluated 2025-11-25.

Conditions:
Inborn genetic diseases. Identifiers: MedGen C0950123, MeSH D030342.
Congenital heart defects, dysmorphic facial features, and intellectual developmental disorder (CHDFIDD). Identifiers: Orphanet 646278, MedGen C4479246, MONDO:0044302, OMIM 617360.

Allele frequency attached by ClinVar (database versions not stated): gnomAD 0.00002 and 0.00003; gnomAD exomes 0.00003; TOPMed 0.00006; 1000 Genomes Project 30x 0.00016.
gnomAD v4.1: 43 of 1,242,806 alleles (0.0035%); highest among the groups gnomAD compares: Admixed American, 0.0042%; 1 homozygote.

Submissions (4):

Ambry Genetics
Classification: Likely benign for Inborn genetic diseases. Last evaluated: 2025-11-25. Review status: criteria provided, single submitter. Criteria: Ambry Variant Classification Scheme 2023. Collection method: clinical testing. Allele origin: germline.

Labcorp Genetics (formerly Invitae), Labcorp
Classification: Benign. Last evaluated: 2025-11-17. Review status: criteria provided, single submitter. Criteria: Invitae Variant Classification Sherloc (09022015). Collection method: clinical testing. Allele origin: germline.

Blueprint Genetics
Classification: Likely benign. Last evaluated: 2024-11-21. Review status: criteria provided, single submitter. Criteria: ACMG Guidelines, 2015. Collection method: clinical testing. Allele origin: germline.

Centre for Mendelian Genomics, University Medical Centre Ljubljana
Classification: Uncertain significance for Congenital heart defects, dysmorphic facial features, and intellectual developmental disorder. Last evaluated: 2019-12-20. Review status: criteria provided, single submitter. Criteria: ACMG Guidelines, 2015. Collection method: clinical testing. Allele origin: unknown. Affected: yes.
Comment: This variant was classified as: Uncertain significance. The available evidence on this variant's pathogenicity is insufficient or conflicting. The following ACMG criteria were applied in classifying this variant: PM2,PP2,BP4.